The following is an entry in ClinVar:

NC_000013.11:g.32337512_32337523delinsAG

Gene: BRCA2 (BRCA2 DNA repair associated; plus strand). Cytogenetic location: 13q13.1.
Variant type: Indel.
Genome position: GRCh38 VCF-style: chr13-32337512-TTAGATAATCAA-AG. GRCh37 (hg19) VCF-style: chr13-32911649-TTAGATAATCAA-AG.
Other names: c.3157_3168delinsAG, p.Leu1053fs (LRG_293t1).
Identifiers: ClinVar variation 548358 (VCV000548358.1), dbSNP rs1555283070, ClinGen allele CA658823654.

ClinVar aggregate classification (germline): Pathogenic (3 of 4 stars; one submission).

Conditions:
Breast-ovarian cancer, familial, susceptibility to, 2 (BROVCA2). Also called: BRCA2 Hereditary Breast and Ovarian Cancer. Identifiers: Orphanet 145, MedGen C2675520, MONDO:0012933, OMIM 612555. Disease mechanism: loss of function.

Submission:

Evidence-based Network for the Interpretation of Germline Mutant Alleles (ENIGMA)
Classification: Pathogenic for Breast-ovarian cancer, familial, susceptibility to, 2. Last evaluated: 2017-12-15. Review status: reviewed by expert panel. Criteria: ENIGMA BRCA1/2 Classification Criteria (2017-06-29). Collection method: curation. Allele origin: germline. Study: ENIGMA.
Comment: Variant allele predicted to encode a truncated non-functional protein.